The following is an entry in ClinVar:

ClinVar aggregate classification (germline): Uncertain significance (1 of 4 stars; one submission).

Submission:

GeneDx
Classification: Uncertain significance. Last evaluated: 2023-10-16. Review status: criteria provided, single submitter. Criteria: GeneDx Variant Classification Process June 2021. Collection method: clinical testing. Allele origin: germline.
Comment: Not observed at significant frequency in large population cohorts (gnomAD); Missense variants in this gene are a common cause of disease and they are underrepresented in the general population; In silico analysis supports that this missense variant has a deleterious effect on protein structure/function; This substitution is predicted to be in the cytoplasmic loop between the second and third homologous domains; Has not been previously published as pathogenic or benign to our knowledge

NM_001040142.2(SCN2A):c.3333A>C (p.Glu1111Asp)

Gene: SCN2A (sodium voltage-gated channel alpha subunit 2; plus strand). Cytogenetic location: 2q24.3.
Variant type: single nucleotide variant.
Coding change: c.3333A>C on transcript NM_001040142.2 (MANE Select); coding-DNA position 3333, A replaced by C.
Protein change: p.Glu1111Asp; replaces glutamic acid 1111 with aspartic acid.
Molecular consequence: missense variant.
Genome position (GRCh38, 1-based): chr2:165,354,605, A>C. VCF-style: chr2-165354605-A-C. GRCh37 (hg19) VCF-style: chr2-166211115-A-C.
Other names: c.3333A>C, p.Glu1111Asp (NM_001371246.1, NM_001371247.1, NM_021007.3 and 1 more transcripts); short protein forms E1111D.
Identifiers: ClinVar variation 2446202 (VCV002446202.2), dbSNP rs2105337534, ClinGen allele CA349021918.